The following is an entry in ClinVar:

NM_004006.3(DMD):c.6128_6131del (p.Asp2043fs)

Gene: DMD (dystrophin; minus strand). Cytogenetic location: Xp21.1.
Variant type: Deletion.
Coding change: c.6128_6131del on transcript NM_004006.3 (MANE Select); coding-DNA positions 6128 to 6131, 4 bases deleted (ATAG; older notation c.6128_6131delATAG).
Protein change: p.Asp2043fs; shifts the reading frame from aspartic acid 2043.
Molecular consequence: frameshift variant.
Genome position (GRCh38, 1-based): chrX:32,287,688-32,287,691, CTAT deleted on the plus strand (ATAG on the coding strand, the reverse complement: DMD is on the minus strand); deleting any 4 consecutive bases within chrX:32,287,688-32,287,693 gives the same sequence; the c. name uses the placement nearest the transcript's 3' end. VCF-style (leftmost placement, unchanged base first): chrX-32287687-ACTAT-A. GRCh37 (hg19) VCF-style: chrX-32305804-ACTAT-A.
Other names: c.6104_6107del, p.Asp2035fs (NM_000109.4); c.6116_6119del, p.Asp2039fs (NM_004009.3); c.5759_5762del, p.Asp1920fs (NM_004010.3); c.2105_2108del, p.Asp702fs (NM_004011.4); c.2096_2099del, p.Asp699fs (NM_004012.4); short protein forms D1920fs, D2039fs, D2043fs, D699fs, D2035fs, D702fs.
Identifiers: ClinVar variation 217207 (VCV000217207.18), dbSNP rs863225006, ClinGen allele CA347585.

ClinVar aggregate classification (germline): Pathogenic. Review status: criteria provided, multiple submitters, no conflicts (2 of 4 stars). 4 submissions from 4 submitters: Pathogenic (4). Last evaluated 2022-11-22.

Conditions:
Duchenne muscular dystrophy (DMD). Also called: MUSCULAR DYSTROPHY, PSEUDOHYPERTROPHIC PROGRESSIVE, DUCHENNE TYPE; Duchenne Muscular Dystrophy (DMD). Identifiers: Orphanet 98896, MedGen C0013264, MONDO:0010679, OMIM 310200.

Submissions (4):

Revvity Omics, Revvity
Classification: Pathogenic. Last evaluated: 2022-11-22. Review status: criteria provided, single submitter. Criteria: ACMG Guidelines, 2015. Collection method: clinical testing. Allele origin: germline.

Labcorp Genetics (formerly Invitae), Labcorp
Classification: Pathogenic for Duchenne muscular dystrophy. Last evaluated: 2020-03-18. Review status: criteria provided, single submitter. Criteria: Invitae Variant Classification Sherloc (09022015). Collection method: clinical testing. Allele origin: germline.
Comment: This sequence change creates a premature translational stop signal (p.Asp2043Valfs*29) in the DMD gene. It is expected to result in an absent or disrupted protein product. This variant is not present in population databases (ExAC no frequency). This variant has been observed in individual(s) with Duchenne muscular dystrophy (PMID: 9067763, 26284620). This variant is also known as c.6336del4 in the literature. ClinVar contains an entry for this variant (Variation ID: 217207). Loss-of-function variants in DMD are known to be pathogenic (PMID: 16770791, 25007885). For these reasons, this variant has been classified as Pathogenic.

ARUP Laboratories, Molecular Genetics and Genomics, ARUP Laboratories
Classification: Pathogenic. Last evaluated: 2016-11-16. Review status: criteria provided, single submitter. Criteria: ARUP Molecular Germline Variant Investigation Process. Collection method: clinical testing. Allele origin: germline.

Athena Diagnostics
Classification: Pathogenic for Duchenne muscular dystrophy. Last evaluated: 2013-11-07. Review status: criteria provided, single submitter. Criteria: Athena Diagnostics Criteria. Collection method: clinical testing. Allele origin: germline. Inheritance: X-linked recessive inheritance.
Comment: X-linked recessive inheritance

Literature cited by the submitters: PubMed 9067763 (cited by Labcorp Genetics (formerly Invitae), Labcorp and Athena Diagnostics); PubMed 26284620 (cited by Labcorp Genetics (formerly Invitae), Labcorp); PubMed 16770791 (cited by Labcorp Genetics (formerly Invitae), Labcorp); PubMed 25007885 (cited by Labcorp Genetics (formerly Invitae), Labcorp).